The following is an entry in ClinVar:

NM_002691.4(POLD1):c.132G>A (p.Met44Ile)

Gene: POLD1 (DNA polymerase delta 1, catalytic subunit; plus strand). Cytogenetic location: 19q13.33.
Variant type: single nucleotide variant.
Coding change: c.132G>A on transcript NM_002691.4 (MANE Select); coding-DNA position 132, G replaced by A.
Protein change: p.Met44Ile; replaces methionine 44 with isoleucine.
Molecular consequence: missense variant. On other transcripts: non-coding transcript variant (1).
Genome position (GRCh38, 1-based): chr19:50,398,983, G>A. VCF-style: chr19-50398983-G-A. GRCh37 (hg19) VCF-style: chr19-50902240-G-A.
Other names: c.132G>A, p.Met44Ile (NM_001256849.1, NM_001308632.1); c.132G>A (NM_002691.2); short protein forms M44I.
Identifiers: ClinVar variation 407954 (VCV000407954.17), dbSNP rs757575448, ClinGen allele CA9595619.

ClinVar aggregate classification (germline): Conflicting classifications of pathogenicity. Review status: criteria provided, conflicting classifications (1 of 4 stars). 5 submissions from 5 submitters: Uncertain significance (4); Likely benign (1). Last evaluated 2026-01-18.

Conditions:
Hereditary cancer-predisposing syndrome. Also called: Neoplastic Syndromes, Hereditary; Hereditary neoplastic syndrome; Hereditary Cancer Syndrome; Tumor predisposition. Identifiers: Orphanet 140162, MedGen C0027672, MeSH D009386, MONDO:0015356.
POLD1-related polyposis and colorectal cancer syndrome (CRCS10). Also called: Colorectal cancer, susceptibility to, 10; Colorectal cancer 10; COLORECTAL CANCER, SUSCEPTIBILITY TO, ON CHROMOSOME 19q. Identifiers: Orphanet 220460, MedGen C2675481, MONDO:0012953, OMIM 612591.

Allele frequency attached by ClinVar (database versions not stated): ExAC below 0.00001; gnomAD 0.00002; gnomAD exomes 0.00002 and 0.00003; TOPMed 0.00002.
gnomAD v4.1: 50 of 1,572,250 alleles (0.0032%); highest among the groups gnomAD compares: Non-Finnish European, 0.0037%; no homozygotes.

Submissions (5):

Labcorp Genetics (formerly Invitae), Labcorp
Classification: Uncertain significance for POLD1-related polyposis and colorectal cancer syndrome. Last evaluated: 2026-01-18. Review status: criteria provided, single submitter. Criteria: Invitae Variant Classification Sherloc (09022015). Collection method: clinical testing. Allele origin: germline.
Comment: This sequence change replaces methionine, which is neutral and non-polar, with isoleucine, which is neutral and non-polar, at codon 44 of the POLD1 protein (p.Met44Ile). This variant is present in population databases (rs757575448, gnomAD 0.006%). This missense change has been observed in individual(s) with colon cancer (PMID: 28125075). ClinVar contains an entry for this variant (Variation ID: 407954). An algorithm developed to predict the effect of missense changes on protein structure and function outputs the following: PolyPhen-2: "Benign". The isoleucine amino acid residue is found in multiple mammalian species, which suggests that this missense change does not adversely affect protein function. In summary, the available evidence is currently insufficient to determine the role of this variant in disease. Therefore, it has been classified as a Variant of Uncertain Significance.

GeneDx
Classification: Uncertain significance. Last evaluated: 2025-04-07. Review status: criteria provided, single submitter. Criteria: GeneDx Variant Classification Process June 2021. Collection method: clinical testing. Allele origin: germline. Affected: yes.
Comment: Not observed at significant frequency in large population cohorts (gnomAD); In silico analysis indicates that this missense variant does not alter protein structure/function; Observed in individuals with colon cancer (PMID: 28125075); This variant is associated with the following publications: (PMID: 28125075)

Center for Genomic Medicine, Rigshospitalet, Copenhagen University Hospital
Classification: Uncertain significance. Last evaluated: 2025-03-04. Review status: criteria provided, single submitter. Criteria: ACMG Guidelines, 2015. Collection method: clinical testing. Allele origin: germline.

Ambry Genetics
Classification: Likely benign for Hereditary cancer-predisposing syndrome. Last evaluated: 2024-10-04. Review status: criteria provided, single submitter. Criteria: Ambry Variant Classification Scheme 2023. Collection method: clinical testing. Allele origin: germline.

Mendelics
Classification: Uncertain significance for POLD1-related polyposis and colorectal cancer syndrome. Last evaluated: 2019-05-28. Review status: criteria provided, single submitter. Criteria: Mendelics Assertion Criteria 2017. Collection method: clinical testing. Allele origin: unknown.

Literature cited by the submitters: PubMed 28125075 (cited by Labcorp Genetics (formerly Invitae), Labcorp).